The following is an entry in ClinVar:

NM_001606.5(ABCA2):c.6883G>A (p.Asp2295Asn)

Gene: ABCA2 (ATP binding cassette subfamily A member 2; minus strand). Cytogenetic location: 9q34.3.
Variant type: single nucleotide variant.
Coding change: c.6883G>A on transcript NM_001606.5 (MANE Select); coding-DNA position 6883, G replaced by A.
Protein change: p.Asp2295Asn; replaces aspartic acid 2295 with asparagine.
Molecular consequence: missense variant.
Genome position (GRCh38, 1-based): chr9:137,008,998, C>T on the plus strand (G>A on the coding strand, the complement: ABCA2 is on the minus strand). VCF-style: chr9-137008998-C-T. GRCh37 (hg19) VCF-style: chr9-139903450-C-T.
Other names: c.6880G>A, p.Asp2294Asn (NM_001411042.1); c.6973G>A, p.Asp2325Asn (NM_212533.3); short protein forms D2295N, D2325N, D2294N.
Identifiers: ClinVar variation 3393620 (VCV003393620.1).

ClinVar aggregate classification (germline): Uncertain significance (1 of 4 stars; one submission).

gnomAD v4.1: 4 of 1,608,832 alleles (0.00025%); highest among the groups gnomAD compares: African/African-American, 0.0013%; no homozygotes.

Submission:

GeneDx
Classification: Uncertain significance. Last evaluated: 2024-07-01. Review status: criteria provided, single submitter. Criteria: GeneDx Variant Classification Process June 2021. Collection method: clinical testing. Allele origin: germline. Affected: yes.
Comment: Not observed at significant frequency in large population cohorts (gnomAD); In silico analysis indicates that this missense variant does not alter protein structure/function; Has not been previously published as pathogenic or benign to our knowledge